The following is an entry in ClinVar:

NM_000815.5(GABRD):c.319G>A (p.Glu107Lys)

Gene: GABRD (gamma-aminobutyric acid type A receptor subunit delta; plus strand). Cytogenetic location: 1p36.33.
Variant type: single nucleotide variant.
Coding change: c.319G>A on transcript NM_000815.5 (MANE Select); coding-DNA position 319, G replaced by A.
Protein change: p.Glu107Lys; replaces glutamic acid 107 with lysine.
Molecular consequence: missense variant.
Genome position (GRCh38, 1-based): chr1:2,025,587, G>A. VCF-style: chr1-2025587-G-A. GRCh37 (hg19) VCF-style: chr1-1957026-G-A.
Other names: short protein forms E107K.
Identifiers: ClinVar variation 3697377 (VCV003697377.2).
Genomic context (GRCh38, chr1:2,025,587, plus strand): 5'-ATGACGGTGTTCCTGCACCAGAGCTGGCGGGACAGCAGGCTCTCCTACAACCACACCAAC[G>A]AGACCCTGGGTCTGGACAGCCGCTTCGTGGACAAGCTGTGGCTGCCCGACACCTTCATCG-3'
Protein context (NP_000806.2, residues 97-117): DSRLSYNHTN[Glu107Lys]TLGLDSRFVD

ClinVar aggregate classification (germline): Uncertain significance (1 of 4 stars; one submission).

Conditions:
Idiopathic generalized epilepsy. Also called: EIG; Generalised epilepsy. Identifiers: MedGen C0270850, MONDO:0005579, OMIM 600669.

Submission:

Labcorp Genetics (formerly Invitae), Labcorp
Classification: Uncertain significance for Idiopathic generalized epilepsy. Last evaluated: 2024-02-02. Review status: criteria provided, single submitter. Criteria: Invitae Variant Classification Sherloc (09022015). Collection method: clinical testing. Allele origin: germline.
Comment: This sequence change replaces glutamic acid, which is acidic and polar, with lysine, which is basic and polar, at codon 107 of the GABRD protein (p.Glu107Lys). This variant is not present in population databases (gnomAD no frequency). This variant has not been reported in the literature in individuals affected with GABRD-related conditions. An algorithm developed to predict the effect of missense changes on protein structure and function (PolyPhen-2) suggests that this variant is likely to be tolerated. In summary, the available evidence is currently insufficient to determine the role of this variant in disease. Therefore, it has been classified as a Variant of Uncertain Significance.